The following is an entry in ClinVar:

NM_018896.5(CACNA1G):c.2180C>T (p.Ala727Val)

Gene: CACNA1G (calcium voltage-gated channel subunit alpha1 G; plus strand). Cytogenetic location: 17q21.33.
Variant type: single nucleotide variant.
Coding change: c.2180C>T on transcript NM_018896.5 (MANE Select); coding-DNA position 2180, C replaced by T.
Protein change: p.Ala727Val; replaces alanine 727 with valine.
Molecular consequence: missense variant. On other transcripts: non-coding transcript variant (5).
Genome position (GRCh38, 1-based): chr17:50,578,443, C>T. VCF-style: chr17-50578443-C-T. GRCh37 (hg19) VCF-style: chr17-48655804-C-T.
Other names: c.2180C>T, p.Ala727Val (NM_001256325.2, NM_001256326.2, NM_001256327.2 and 24 more transcripts); c.2180C>T (NM_018896.4); short protein forms A727V.
Identifiers: ClinVar variation 2647905 (VCV002647905.25), dbSNP rs2544938854, ClinGen allele CA400243067.

ClinVar aggregate classification (germline): Uncertain significance. Review status: criteria provided, multiple submitters, no conflicts (2 of 4 stars). 2 submissions from 2 submitters: Uncertain significance (2). Last evaluated 2026-02-09.

Submissions (2):

GeneDx
Classification: Uncertain significance. Last evaluated: 2026-02-09. Review status: criteria provided, single submitter. Criteria: GeneDx Variant Classification Process June 2021. Collection method: clinical testing. Allele origin: germline.
Comment: Not observed at significant frequency in large population cohorts (gnomAD); In silico analysis suggests that this missense variant does not alter protein structure/function; Has not been previously published as pathogenic or benign to our knowledge

CeGaT Center for Human Genetics Tuebingen
Classification: Uncertain significance. Last evaluated: 2022-11-01. Review status: criteria provided, single submitter. Criteria: CeGaT Center For Human Genetics Tuebingen Variant Classification Criteria Version 2. Collection method: clinical testing. Allele origin: germline. Affected: yes. Observed: 1 variant allele.
Comment: CACNA1G: PM2